The following is an entry in ClinVar:

NM_004281.4(BAG3):c.1538G>C (p.Ser513Thr)

Gene: BAG3 (BAG cochaperone 3; plus strand). Cytogenetic location: 10q26.11.
Variant type: single nucleotide variant.
Coding change: c.1538G>C on transcript NM_004281.4 (MANE Select); coding-DNA position 1538, G replaced by C.
Protein change: p.Ser513Thr; replaces serine 513 with threonine.
Molecular consequence: missense variant.
Genome position (GRCh38, 1-based): chr10:119,677,092, G>C. VCF-style: chr10-119677092-G-C. GRCh37 (hg19) VCF-style: chr10-121436604-G-C.
Other names: short protein forms S513T.
Identifiers: ClinVar variation 2921439 (VCV002921439.3), dbSNP rs2494024452, ClinGen allele CA378297541.
Genomic context (GRCh38, chr10:119,677,092, plus strand): 5'-AACTTGAACAGAAAGCCATTGATGTCCCAGGTCAAGTCCAGGTCTATGAACTCCAGCCCA[G>C]CAACCTTGAAGCAGATCAGCCACTGCAGGCAATCATGGAGATGGGTGCCGTGGCAGCAGA-3'
Protein context (NP_004272.2, residues 503-523): GQVQVYELQP[Ser513Thr]NLEADQPLQA

ClinVar aggregate classification (germline): Uncertain significance (1 of 4 stars; one submission).

Conditions:
Myofibrillar myopathy 6. Identifiers: Orphanet 199340, MedGen C2751831, MONDO:0013061, OMIM 612954.
Dilated cardiomyopathy 1HH (CMD1HH). Identifiers: Orphanet 154, MedGen C3151293, MONDO:0013479, OMIM 613881.

Submission:

Labcorp Genetics (formerly Invitae), Labcorp
Classification: Uncertain significance for Dilated cardiomyopathy 1HH; Myofibrillar myopathy 6. Last evaluated: 2023-12-14. Review status: criteria provided, single submitter. Criteria: Invitae Variant Classification Sherloc (09022015). Collection method: clinical testing. Allele origin: germline.
Comment: This sequence change replaces serine, which is neutral and polar, with threonine, which is neutral and polar, at codon 513 of the BAG3 protein (p.Ser513Thr). This variant is not present in population databases (gnomAD no frequency). This variant has not been reported in the literature in individuals affected with BAG3-related conditions. Advanced modeling of protein sequence and biophysical properties (such as structural, functional, and spatial information, amino acid conservation, physicochemical variation, residue mobility, and thermodynamic stability) performed at Invitae indicates that this missense variant is not expected to disrupt BAG3 protein function with a negative predictive value of 80%. In summary, the available evidence is currently insufficient to determine the role of this variant in disease. Therefore, it has been classified as a Variant of Uncertain Significance.